The following is an entry in ClinVar:

NM_006306.4(SMC1A):c.3611A>T (p.Tyr1204Phe)

Gene: SMC1A (structural maintenance of chromosomes 1A; minus strand). Cytogenetic location: Xp11.22.
Variant type: single nucleotide variant.
Coding change: c.3611A>T on transcript NM_006306.4 (MANE Select); coding-DNA position 3611, A replaced by T.
Protein change: p.Tyr1204Phe; replaces tyrosine 1204 with phenylalanine.
Molecular consequence: missense variant.
Genome position (GRCh38, 1-based): chrX:53,380,627, T>A on the plus strand (A>T on the coding strand, the complement: SMC1A is on the minus strand). VCF-style: chrX-53380627-T-A. GRCh37 (hg19) VCF-style: chrX-53407548-T-A.
Other names: c.3545A>T, p.Tyr1182Phe (NM_001281463.1); short protein forms Y1182F, Y1204F.
Identifiers: ClinVar variation 665368 (VCV000665368.9), dbSNP rs781998306, ClinGen allele CA10420257.

ClinVar aggregate classification (germline): Uncertain significance. Review status: criteria provided, multiple submitters, no conflicts (2 of 4 stars). 2 submissions from 2 submitters: Uncertain significance (2). Last evaluated 2024-10-22.

Conditions:
Developmental and epileptic encephalopathy, 85, with or without midline brain defects. Also called: EPILEPTIC ENCEPHALOPATHY, EARLY INFANTILE, 85, WITH OR WITHOUT MIDLINE BRAIN DEFECTS. Identifiers: MedGen C5393312, MONDO:0026771, OMIM 301044.
Congenital muscular hypertrophy-cerebral syndrome (CDLS2). Also called: Cornelia de Lange syndrome 2; SMC1A-Related Cornelia de Lange Syndrome. Identifiers: Orphanet 199, MedGen C1802395, MONDO:0010370, OMIM 300590.

Allele frequency attached by ClinVar (database versions not stated): gnomAD exomes below 0.00001 and 0.00001; ExAC 0.00001.
gnomAD v4.1: 2 of 1,182,841 alleles (0.00017%); highest among the groups gnomAD compares: Admixed American, 0.0043%; no homozygotes.

Submissions (2):

Labcorp Genetics (formerly Invitae), Labcorp
Classification: Uncertain significance for Congenital muscular hypertrophy-cerebral syndrome. Last evaluated: 2024-10-22. Review status: criteria provided, single submitter. Criteria: Invitae Variant Classification Sherloc (09022015). Collection method: clinical testing. Allele origin: germline.
Comment: This sequence change replaces tyrosine, which is neutral and polar, with phenylalanine, which is neutral and non-polar, at codon 1204 of the SMC1A protein (p.Tyr1204Phe). The frequency data for this variant in the population databases is considered unreliable, as metrics indicate poor data quality at this position in the gnomAD database. This variant has not been reported in the literature in individuals affected with SMC1A-related conditions. ClinVar contains an entry for this variant (Variation ID: 665368). Invitae Evidence Modeling of protein sequence and biophysical properties (such as structural, functional, and spatial information, amino acid conservation, physicochemical variation, residue mobility, and thermodynamic stability) indicates that this missense variant is not expected to disrupt SMC1A protein function with a negative predictive value of 80%. In summary, the available evidence is currently insufficient to determine the role of this variant in disease. Therefore, it has been classified as a Variant of Uncertain Significance.

Fulgent Genetics
Classification: Uncertain significance for Congenital muscular hypertrophy-cerebral syndrome; Developmental and epileptic encephalopathy, 85, with or without midline brain defects. Last evaluated: 2024-04-23. Review status: criteria provided, single submitter. Criteria: ACMG Guidelines, 2015. Collection method: clinical testing. Allele origin: germline.